The following is an entry in ClinVar:

ClinVar aggregate classification (germline): Uncertain significance (1 of 4 stars; one submission).

Conditions:
Inborn genetic diseases. Identifiers: MedGen C0950123, MeSH D030342.

gnomAD v4.1: 11 of 1,475,412 alleles (0.00075%); highest among the groups gnomAD compares: Non-Finnish European, 0.00098%; no homozygotes.

Submission:

Ambry Genetics
Classification: Uncertain significance for Inborn genetic diseases. Last evaluated: 2025-01-10. Review status: criteria provided, single submitter. Criteria: Ambry Variant Classification Scheme 2023. Collection method: clinical testing. Allele origin: germline.
Comment: The p.M211L variant (also known as c.631A>T), located in coding exon 1 of the SH2B3 gene, results from an A to T substitution at nucleotide position 631. The methionine at codon 211 is replaced by leucine, an amino acid with highly similar properties. This amino acid position is conserved. In addition, this alteration is predicted to be tolerated by in silico analysis. Based on the available evidence, the clinical significance of this variant remains unclear.

NM_005475.3(SH2B3):c.631A>T (p.Met211Leu)

Gene: SH2B3 (SH2B adaptor protein 3; plus strand). Cytogenetic location: 12q24.12.
Variant type: single nucleotide variant.
Coding change: c.631A>T on transcript NM_005475.3 (MANE Select); coding-DNA position 631, A replaced by T.
Protein change: p.Met211Leu; replaces methionine 211 with leucine.
Molecular consequence: missense variant.
Genome position (GRCh38, 1-based): chr12:111,418,776, A>T. VCF-style: chr12-111418776-A-T. GRCh37 (hg19) VCF-style: chr12-111856580-A-T.
Other names: short protein forms M211L.
Identifiers: ClinVar variation 3440866 (VCV003440866.2).